The following is an entry in ClinVar:

NM_001303457.2(TTI1):c.2039G>A (p.Arg680His)

Gene: TTI1 (TELO2 interacting protein 1; minus strand). Cytogenetic location: 20q11.23.
Variant type: single nucleotide variant.
Coding change: c.2039G>A on transcript NM_001303457.2 (MANE Select); coding-DNA position 2039, G replaced by A.
Protein change: p.Arg680His; replaces arginine 680 with histidine.
Molecular consequence: missense variant.
Genome position (GRCh38, 1-based): chr20:38,011,778, C>T on the plus strand (G>A on the coding strand, the complement: TTI1 is on the minus strand). VCF-style: chr20-38011778-C-T. GRCh37 (hg19) VCF-style: chr20-36640180-C-T.
Other names: c.2039G>A, p.Arg680His (NM_014657.3); short protein forms R680H.
Identifiers: ClinVar variation 4891131 (VCV004891131.1).

ClinVar aggregate classification (germline): Uncertain significance (1 of 4 stars; one submission).

gnomAD v4.1: 15 of 1,614,078 alleles (0.00093%); highest among the groups gnomAD compares: Admixed American, 0.0033%; no homozygotes.

Submission:

Greenwood Genetic Center Diagnostic Laboratories, Greenwood Genetic Center
Classification: Uncertain significance. Last evaluated: 2026-06-03. Review status: criteria provided, single submitter. Criteria: ACMG Guidelines, 2015. Collection method: clinical testing. Allele origin: germline.
Comment: PM2, BP4